The following is an entry in ClinVar:

ClinVar aggregate classification (germline): Uncertain significance. Review status: criteria provided, multiple submitters, no conflicts (2 of 4 stars). 3 submissions from 3 submitters: Uncertain significance (3). Last evaluated 2026-03-03.

Conditions:
Hereditary sensory neuropathy-deafness-dementia syndrome. Also called: Hereditary Sensory and Autonomic Neuropathy Type 1E (HSAN1E); HSN IE; Hereditary sensory neuropathy type IE; NEUROPATHY, HEREDITARY SENSORY, WITH HEARING LOSS AND DEMENTIA. Identifiers: Orphanet 456318, MedGen C3279885, MONDO:0013584, OMIM 614116.
DNMT1-related disorder. Also called: DNMT1-related condition. Identifiers: MedGen CN381527.

gnomAD v4.1: 1 of 1,614,140 alleles (0.000062%); highest among the groups gnomAD compares: Non-Finnish European, 0.000085%; no homozygotes.

Submissions (3):

PreventionGenetics, part of Exact Sciences
Classification: Uncertain significance for DNMT1-related condition. Last evaluated: 2026-03-03. Review status: criteria provided, single submitter. Criteria: ACMG Guidelines, 2015. Collection method: clinical testing. Allele origin: germline.
Comment: The DNMT1 c.833C>G variant is predicted to result in the amino acid substitution p.Pro278Arg. To our knowledge, this variant has not been reported in the literature or in a large population database (gnomAD), indicating this variant is rare. At this time, the clinical significance of this variant is uncertain due to the absence of conclusive functional and genetic evidence.

Labcorp Genetics (formerly Invitae), Labcorp
Classification: Uncertain significance for Hereditary sensory neuropathy-deafness-dementia syndrome. Last evaluated: 2023-09-26. Review status: criteria provided, single submitter. Criteria: Invitae Variant Classification Sherloc (09022015). Collection method: clinical testing. Allele origin: germline.
Comment: This variant is not present in population databases (gnomAD no frequency). This variant has not been reported in the literature in individuals affected with DNMT1-related conditions. ClinVar contains an entry for this variant (Variation ID: 2163252). An algorithm developed to predict the effect of missense changes on protein structure and function (PolyPhen-2) suggests that this variant is likely to be disruptive. In summary, the available evidence is currently insufficient to determine the role of this variant in disease. Therefore, it has been classified as a Variant of Uncertain Significance. This sequence change replaces proline, which is neutral and non-polar, with arginine, which is basic and polar, at codon 278 of the DNMT1 protein (p.Pro278Arg).

GeneDx
Classification: Uncertain significance. Last evaluated: 2022-09-08. Review status: criteria provided, single submitter. Criteria: GeneDx Variant Classification Process June 2021. Collection method: clinical testing. Allele origin: germline. Affected: yes.
Comment: Not observed at significant frequency in large population cohorts (gnomAD); In silico analysis supports that this missense variant does not alter protein structure/function; Has not been previously published as pathogenic or benign to our knowledge

NM_001130823.3(DNMT1):c.833C>G (p.Pro278Arg)

Gene: DNMT1 (DNA methyltransferase 1; minus strand). Cytogenetic location: 19p13.2.
Variant type: single nucleotide variant.
Coding change: c.833C>G on transcript NM_001130823.3 (MANE Select); coding-DNA position 833, C replaced by G.
Protein change: p.Pro278Arg; replaces proline 278 with arginine.
Molecular consequence: missense variant.
Genome position (GRCh38, 1-based): chr19:10,166,656, G>C on the plus strand (C>G on the coding strand, the complement: DNMT1 is on the minus strand). VCF-style: chr19-10166656-G-C. GRCh37 (hg19) VCF-style: chr19-10277332-G-C.
Other names: c.785C>G, p.Pro262Arg (NM_001318730.2, NM_001379.4); c.470C>G, p.Pro157Arg (NM_001318731.2); c.833C>G (NM_001130823.2); short protein forms P157R, P262R, P278R.
Identifiers: ClinVar variation 2163252 (VCV002163252.6), dbSNP rs1430311136, ClinGen allele CA403942105.